The following is an entry in ClinVar:

ClinVar aggregate classification (germline): Pathogenic (1 of 4 stars; one submission).

Conditions:
Marfan syndrome (MFS). Also called: MARFAN SYNDROME, TYPE I; Marfan syndrome type 1; Marfan's syndrome; Marfan syndrome, classic; FBN1-Related Marfan Syndrome. Identifiers: Orphanet 284963, Orphanet 558, MedGen C0024796, MONDO:0007947, OMIM 154700.
Familial thoracic aortic aneurysm and aortic dissection (TAAD). Also called: Thoracic aortic aneurysms and dissections. Identifiers: Orphanet 91387, MedGen C4707243, MONDO:0019625.

Submission:

Labcorp Genetics (formerly Invitae), Labcorp
Classification: Pathogenic for Marfan syndrome; Familial thoracic aortic aneurysm and aortic dissection. Last evaluated: 2025-01-26. Review status: criteria provided, single submitter. Criteria: Invitae Variant Classification Sherloc (09022015). Collection method: clinical testing. Allele origin: germline.
Comment: This sequence change creates a premature translational stop signal (p.Cys1296Valfs*117) in the FBN1 gene. It is expected to result in an absent or disrupted protein product. Loss-of-function variants in FBN1 are known to be pathogenic (PMID: 17657824, 19293843). This variant is not present in population databases (gnomAD no frequency). This variant has not been reported in the literature in individuals affected with FBN1-related conditions. For these reasons, this variant has been classified as Pathogenic.

Literature cited by the submitters: PubMed 17657824; PubMed 19293843.

NM_000138.5(FBN1):c.3885del (p.Cys1296fs)

Gene: FBN1 (fibrillin 1; minus strand). Cytogenetic location: 15q21.1.
Variant type: Deletion.
Coding change: c.3885del on transcript NM_000138.5 (MANE Select); coding-DNA position 3885, one base deleted (C; older notation c.3885delC).
Protein change: p.Cys1296fs; shifts the reading frame from cysteine 1296.
Molecular consequence: frameshift variant.
Genome position (GRCh38, 1-based): chr15:48,481,734, G deleted on the plus strand (C on the coding strand, the reverse complement: FBN1 is on the minus strand); the first of 2 consecutive G bases (chr15:48,481,734-48,481,735); deleting either gives the same sequence. VCF-style (leftmost placement, unchanged base first): chr15-48481733-AG-A. GRCh37 (hg19) VCF-style: chr15-48773930-AG-A.
Other names: c.3885del, p.Cys1296fs (NM_001406716.1); short protein forms C1296fs.
Identifiers: ClinVar variation 3759287 (VCV003759287.2).
Genomic context (GRCh38, chr15:48,481,733, plus strand): 5'-CTTTTTTGCCGGAGTAGCCCATATCACAGTGGCAGATAAATGAGCCTTTCGTGTTTTCAC[AG>A]GTCCCACTTAGGCAGATATTTGGATTCAGGTCACACTCATTGACATCTGTAAAACATATA-3'